The following is an entry in ClinVar:

ClinVar aggregate classification (germline): Pathogenic (1 of 4 stars; one submission).

Conditions:
Exostoses, multiple, type 2 (EXT2). Also called: Hereditary Multiple Osteochondromatosis, Type II; EXOSTOSES, MULTIPLE, TYPE II. Identifiers: Orphanet 321, MedGen C1851413, MONDO:0007586, OMIM 133701.

Submission:

Labcorp Genetics (formerly Invitae), Labcorp
Classification: Pathogenic for Exostoses, multiple, type 2. Last evaluated: 2023-11-10. Review status: criteria provided, single submitter. Criteria: Invitae Variant Classification Sherloc (09022015). Collection method: clinical testing. Allele origin: unknown.
Comment: This variant is a gross deletion of the genomic region encompassing exon(s) 4 of the EXT2 gene. This variant would be expected to be in-frame, preserving the integrity of the reading frame. This variant has not been reported in the literature in individuals affected with EXT2-related conditions. This variant disrupts a region of the EXT2 protein in which other variant(s) (p.Arg223Pro) have been determined to be pathogenic (PMID: 12490068, 17589361, 18165274, 23262345). This suggests that this is a clinically significant region of the protein, and that variants that disrupt it are likely to be disease-causing. For these reasons, this variant has been classified as Pathogenic.

Literature cited by the submitters: PubMed 12490068; PubMed 17589361; PubMed 18165274; PubMed 23262345.

NC_000011.9:g.(?_44135715)_(44135871_?)del

Gene: EXT2 (exostosin glycosyltransferase 2; plus strand). Cytogenetic location: 11p11.2.
Variant type: Deletion.
Identifiers: ClinVar variation 3244620 (VCV003244620.1).